The following is an entry in ClinVar:

NM_001182.5(ALDH7A1):c.1411_1412insG (p.Leu471fs)

Gene: ALDH7A1 (aldehyde dehydrogenase 7 family member A1; minus strand). Cytogenetic location: 5q23.2.
Variant type: Insertion.
Coding change: c.1411_1412insG on transcript NM_001182.5 (MANE Select); coding-DNA positions 1411 to 1412, G inserted.
Protein change: p.Leu471fs; shifts the reading frame from leucine 471.
Molecular consequence: frameshift variant.
Genome position: GRCh38 VCF-style: chr5-126550199-A-AC. GRCh37 (hg19) VCF-style: chr5-125885891-A-AC.
Other names: c.1327_1328insG, p.Leu443fs (NM_001201377.2); c.1219_1220insG, p.Leu407fs (NM_001202404.2); short protein forms L407fs, L443fs, L471fs.
Identifiers: ClinVar variation 1341559 (VCV001341559.8), dbSNP rs772766995, ClinGen allele CA3389429.

ClinVar aggregate classification (germline): Pathogenic. Review status: criteria provided, multiple submitters, no conflicts (2 of 4 stars). 4 submissions from 4 submitters: Pathogenic (3). 1 of the submissions does not count toward it. Last evaluated 2025-11-12.

Conditions:
Pyridoxine-dependent epilepsy (EPEO4). Also called: Pyridoxine-Dependent Epilepsy - ALDH7A1; PYRIDOXINE DEPENDENCY WITH SEIZURES; EPILEPSY, EARLY-ONSET, 4, VITAMIN B6-DEPENDENT; Pyridoxine-Dependent Seizures. Identifiers: Orphanet 3006, MedGen C1849508, MONDO:0009945, OMIM 266100. Disease mechanism: loss of function.

Allele frequency attached by ClinVar (database versions not stated): gnomAD 0.00003; ExAC 0.00004; gnomAD exomes 0.00002.

Submissions (4):

Labcorp Genetics (formerly Invitae), Labcorp
Classification: Pathogenic for Pyridoxine-dependent epilepsy. Last evaluated: 2025-11-12. Review status: criteria provided, single submitter. Criteria: Invitae Variant Classification Sherloc (09022015). Collection method: clinical testing. Allele origin: germline.
Comment: This sequence change creates a premature translational stop signal (p.Leu471Argfs*4) in the ALDH7A1 gene. It is expected to result in an absent or disrupted protein product. Loss-of-function variants in ALDH7A1 are known to be pathogenic (PMID: 16491085, 20554659). This variant is present in population databases (rs772766995, gnomAD 0.02%). This premature translational stop signal has been observed in individual(s) with pyridoxine dependent epilepsy (PMID: 32593896, 38605122). ClinVar contains an entry for this variant (Variation ID: 1341559). For these reasons, this variant has been classified as Pathogenic.

Fulgent Genetics
Classification: Pathogenic for Pyridoxine-dependent epilepsy. Last evaluated: 2024-05-29. Review status: criteria provided, single submitter. Criteria: ACMG Guidelines, 2015. Collection method: clinical testing. Allele origin: germline.

Kasturba Medical College, Manipal, Kasturba Medical College, Manipal, Manipal Academy of Higher Education, Manipal, India
Classification: Pathogenic for Pyridoxine-dependent epilepsy. Review status: criteria provided, single submitter. Criteria: ACMG Guidelines, 2015. Collection method: clinical testing. Allele origin: paternal. Inheritance: Autosomal recessive inheritance. Affected: yes. Observed: 1 compound heterozygote.

Institute of Medical Genetics and Genomics, Sir Ganga Ram Hospital
Classification: Likely pathogenic for Pyridoxine-dependent epilepsy. Last evaluated: 2022-02-15. Review status: no assertion criteria provided. Collection method: clinical testing. Allele origin: germline. Inheritance: Autosomal recessive inheritance. Affected: yes. Observed: 1 compound heterozygote. Not counted in ClinVar's aggregate classification.
Comment: This novel heterozygous variant c.1411_1412insG (p.Leu471ArgfsTer4) is present in a compound heterozygous state with c.187G>T (p.Gly63Ter). Seizures responded to pyridoxine supplementation.

Literature cited by the submitters: PubMed 16491085 (cited by Labcorp Genetics (formerly Invitae), Labcorp); PubMed 20554659 (cited by Labcorp Genetics (formerly Invitae), Labcorp); PubMed 32593896 (cited by Labcorp Genetics (formerly Invitae), Labcorp); PubMed 38605122 (cited by Labcorp Genetics (formerly Invitae), Labcorp).